The following is an entry in ClinVar:

ClinVar aggregate classification (germline): Uncertain significance. Review status: criteria provided, multiple submitters, no conflicts (2 of 4 stars). 2 submissions from 2 submitters: Uncertain significance (2). Last evaluated 2025-03-06.

Conditions:
Pitt-Hopkins-like syndrome 2 (PTHSL2). Identifiers: Orphanet 221150, Orphanet 600663, MedGen C3280479, MONDO:0013690, OMIM 614325.

Allele frequency attached by ClinVar (database versions not stated): gnomAD exomes below 0.00001; ExAC 0.00001.
gnomAD v4.1: 2 of 1,614,106 alleles (0.00012%); highest among the groups gnomAD compares: Non-Finnish European, 0.00017%; no homozygotes.

Submissions (2):

Labcorp Genetics (formerly Invitae), Labcorp
Classification: Uncertain significance for Pitt-Hopkins-like syndrome 2. Last evaluated: 2025-03-06. Review status: criteria provided, single submitter. Criteria: Invitae Variant Classification Sherloc (09022015). Collection method: clinical testing. Allele origin: germline.
Comment: This sequence change replaces tyrosine, which is neutral and polar, with cysteine, which is neutral and slightly polar, at codon 1342 of the NRXN1 protein (p.Tyr1342Cys). This variant is present in population databases (rs761776814, gnomAD 0.002%). This variant has not been reported in the literature in individuals affected with NRXN1-related conditions. ClinVar contains an entry for this variant (Variation ID: 206268). Invitae Evidence Modeling of protein sequence and biophysical properties (such as structural, functional, and spatial information, amino acid conservation, physicochemical variation, residue mobility, and thermodynamic stability) indicates that this missense variant is expected to disrupt NRXN1 protein function with a positive predictive value of 80%. In summary, the available evidence is currently insufficient to determine the role of this variant in disease. Therefore, it has been classified as a Variant of Uncertain Significance.

GeneDx
Classification: Uncertain significance. Last evaluated: 2018-11-28. Review status: criteria provided, single submitter. Criteria: GeneDx Variant Classification (06012015). Collection method: clinical testing. Allele origin: germline. Affected: yes.
Comment: The Y1342C variant has not been published as a mutation, nor has it been reported as a benign polymorphism to our knowledge. It was not observed in approximately 6,500 individuals of European and African American ancestry in the NHLBI Exome Sequencing Project, indicating it is not a common benign variant in these populations. The Y1342C variant is a non-conservative amino acid substitution, which is likely to impact secondary protein structure as these residues differ in polarity, charge, size and/or other properties. This substitution occurs at a position that is conserved across species. In silico analysis predicts this variant is probably damaging to the protein structure/function. However, missense mutations in nearby residues have not been reported in association with NRXN1-related disorders. Therefore, based on the currently available information, it is unclear whether this variant is a pathogenic mutation or a rare benign variant. The variant is found in INFANT-EPI panel(s).

NM_001330078.2(NRXN1):c.3905A>G (p.Tyr1302Cys)

Gene: NRXN1 (neurexin 1; minus strand). Cytogenetic location: 2p16.3.
Variant type: single nucleotide variant.
Coding change: c.3905A>G on transcript NM_001330078.2 (MANE Select); coding-DNA position 3905, A replaced by G.
Protein change: p.Tyr1302Cys; replaces tyrosine 1302 with cysteine.
Molecular consequence: missense variant.
Genome position (GRCh38, 1-based): chr2:50,053,494, T>C on the plus strand (A>G on the coding strand, the complement: NRXN1 is on the minus strand). VCF-style: chr2-50053494-T-C. GRCh37 (hg19) VCF-style: chr2-50280632-T-C.
Other names: p.Y1342C:TAC>TGC; c.3704A>G, p.Tyr1235Cys (NM_001330087.2, NM_001330096.2); c.3734A>G, p.Tyr1245Cys (NM_001330088.2); c.800A>G, p.Tyr267Cys (NM_001330091.2, NM_001330092.2); c.3902A>G, p.Tyr1301Cys (NM_001330093.2); c.3893A>G, p.Tyr1298Cys (NM_001330094.2); c.3764A>G, p.Tyr1255Cys (NM_001330095.2); c.710A>G, p.Tyr237Cys (NM_001330097.2, NM_138735.5); and 7 more; short protein forms Y1342C, Y1245C, Y1294C, Y1302C, Y1280C, Y1293C, Y1235C, Y1250C.
Identifiers: ClinVar variation 206268 (VCV000206268.9), dbSNP rs761776814, ClinGen allele CA316183.